The following is an entry in ClinVar:

ClinVar aggregate classification (germline): Uncertain significance (1 of 4 stars; one submission).

Allele frequency attached by ClinVar (database versions not stated): gnomAD exomes below 0.00001; TOPMed below 0.00001; gnomAD 0.00001.
gnomAD v4.1: 3 of 1,614,108 alleles (0.00019%); highest among the groups gnomAD compares: Non-Finnish European, 0.00025%; no homozygotes.

Submission:

Labcorp Genetics (formerly Invitae), Labcorp
Classification: Uncertain significance. Last evaluated: 2022-02-02. Review status: criteria provided, single submitter. Criteria: Invitae Variant Classification Sherloc (09022015). Collection method: clinical testing. Allele origin: germline.
Comment: This sequence change replaces asparagine, which is neutral and polar, with lysine, which is basic and polar, at codon 122 of the RFWD3 protein (p.Asn122Lys). This variant is not present in population databases (gnomAD no frequency). In summary, the available evidence is currently insufficient to determine the role of this variant in disease. Therefore, it has been classified as a Variant of Uncertain Significance. Algorithms developed to predict the effect of missense changes on protein structure and function (SIFT, PolyPhen-2, Align-GVGD) all suggest that this variant is likely to be tolerated. This variant has not been reported in the literature in individuals affected with RFWD3-related conditions.

NM_018124.4(RFWD3):c.366C>G (p.Asn122Lys)

Gene: RFWD3 (ring finger and WD repeat domain 3; minus strand). Cytogenetic location: 16q23.1.
Variant type: single nucleotide variant.
Coding change: c.366C>G on transcript NM_018124.4 (MANE Select); coding-DNA position 366, C replaced by G.
Protein change: p.Asn122Lys; replaces asparagine 122 with lysine.
Molecular consequence: missense variant. On other transcripts: 5 prime UTR variant (4), intron variant (1).
Genome position (GRCh38, 1-based): chr16:74,661,084, G>C on the plus strand (C>G on the coding strand, the complement: RFWD3 is on the minus strand). VCF-style: chr16-74661084-G-C. GRCh37 (hg19) VCF-style: chr16-74694982-G-C.
Other names: c.366C>G, p.Asn122Lys (NM_001370534.1, NM_001370535.1, NM_001370536.1); c.-643C>G (NM_001370537.1); c.-266C>G (NM_001370539.1, NM_001370541.1); c.-520C>G (NM_001370542.1); c.-398C>G (NM_001370543.1); c.-317+3540C>G (NM_001370540.1); short protein forms N122K.
Identifiers: ClinVar variation 2092110 (VCV002092110.4), dbSNP rs1490176723, ClinGen allele CA396764062.